The following is an entry in ClinVar:

ClinVar aggregate classification (germline): Uncertain significance. Review status: criteria provided, multiple submitters, no conflicts (2 of 4 stars). 2 submissions from 2 submitters: Uncertain significance (2). Last evaluated 2024-10-06.

Conditions:
Autosomal dominant polycystic kidney disease. Identifiers: Orphanet 730, MedGen C0085413, MONDO:0004691.
Polycystic kidney disease 2 (PKD2). Also called: Polycystic Kidney Disease 2, Autosomal Dominant; POLYCYSTIC KIDNEY DISEASE, ADULT, TYPE II; POLYCYSTIC KIDNEY DISEASE 2 WITH OR WITHOUT POLYCYSTIC LIVER DISEASE. Identifiers: MedGen C2751306, MONDO:0013131, OMIM 613095.

Allele frequency attached by ClinVar (database versions not stated): gnomAD exomes below 0.00001 and 0.00001; ExAC 0.00001; TOPMed 0.00001; gnomAD 0.00002.
gnomAD v4.1: 21 of 1,612,896 alleles (0.0013%); highest among the groups gnomAD compares: Non-Finnish European, 0.0018%; no homozygotes.

Submissions (2):

Labcorp Genetics (formerly Invitae), Labcorp
Classification: Uncertain significance for Autosomal dominant polycystic kidney disease. Last evaluated: 2024-10-06. Review status: criteria provided, single submitter. Criteria: Invitae Variant Classification Sherloc (09022015). Collection method: clinical testing. Allele origin: germline.
Comment: This sequence change replaces alanine, which is neutral and non-polar, with valine, which is neutral and non-polar, at codon 594 of the PKD2 protein (p.Ala594Val). This variant is present in population databases (rs769963846, gnomAD 0.0009%). This variant has not been reported in the literature in individuals affected with PKD2-related conditions. ClinVar contains an entry for this variant (Variation ID: 1378948). Invitae Evidence Modeling of protein sequence and biophysical properties (such as structural, functional, and spatial information, amino acid conservation, physicochemical variation, residue mobility, and thermodynamic stability) indicates that this missense variant is not expected to disrupt PKD2 protein function with a negative predictive value of 80%. In summary, the available evidence is currently insufficient to determine the role of this variant in disease. Therefore, it has been classified as a Variant of Uncertain Significance.

Department of Pathology and Laboratory Medicine, Sinai Health System
Classification: Uncertain significance for Polycystic kidney disease 2. Last evaluated: 2023-01-03. Review status: criteria provided, single submitter. Criteria: ACMG Guidelines, 2015. Collection method: clinical testing. Allele origin: germline. Affected: yes.

NM_000297.4(PKD2):c.1781C>T (p.Ala594Val)

Gene: PKD2 (polycystin 2, transient receptor potential cation channel; plus strand). Cytogenetic location: 4q22.1.
Variant type: single nucleotide variant.
Coding change: c.1781C>T on transcript NM_000297.4 (MANE Select); coding-DNA position 1781, C replaced by T.
Protein change: p.Ala594Val; replaces alanine 594 with valine.
Molecular consequence: missense variant. On other transcripts: non-coding transcript variant (1).
Genome position (GRCh38, 1-based): chr4:88,056,150, C>T. VCF-style: chr4-88056150-C-T. GRCh37 (hg19) VCF-style: chr4-88977302-C-T.
Other names: c.1781C>T (NM_000297.3); short protein forms A594V.
Identifiers: ClinVar variation 1378948 (VCV001378948.7), dbSNP rs769963846, ClinGen allele CA3004049.